The following is an entry in ClinVar:

ClinVar aggregate classification (germline): Likely benign (0 of 4 stars; one submission).

Conditions:
POMC-related disorder. Also called: POMC-related condition; POMC-related disorders.

gnomAD v4.1: 3 of 1,568,618 alleles (0.00019%); highest among the groups gnomAD compares: Admixed American, 0.0019%; no homozygotes.

Submission:

PreventionGenetics, part of Exact Sciences
Classification: Likely benign for POMC-related condition. Last evaluated: 2024-03-21. Review status: no assertion criteria provided. Collection method: clinical testing. Allele origin: germline.
Comment: This variant is classified as likely benign based on ACMG/AMP sequence variant interpretation guidelines (Richards et al. 2015 PMID: 25741868, with internal and published modifications).

NM_000939.4(POMC):c.321C>T (p.Val107=)

Gene: POMC (proopiomelanocortin; minus strand). Cytogenetic location: 2p23.3.
Variant type: single nucleotide variant.
Coding change: c.321C>T on transcript NM_000939.4 (MANE Select); coding-DNA position 321, C replaced by T.
Protein change: p.Val107=; no amino-acid change (valine 107 retained).
Molecular consequence: synonymous variant.
Genome position (GRCh38, 1-based): chr2:25,161,564, G>A on the plus strand (C>T on the coding strand, the complement: POMC is on the minus strand). VCF-style: chr2-25161564-G-A. GRCh37 (hg19) VCF-style: chr2-25384433-G-A.
Other names: c.321C>T, p.Val107= (NM_001035256.3, NM_001319204.2, NM_001319205.2).
Identifiers: ClinVar variation 3344948 (VCV003344948.1).